The following is an entry in ClinVar:

NM_006796.3(AFG3L2):c.1052G>A (p.Gly351Asp)

Gene: AFG3L2 (AFG3 like matrix AAA peptidase subunit 2; minus strand). Cytogenetic location: 18p11.21.
Variant type: single nucleotide variant.
Coding change: c.1052G>A on transcript NM_006796.3 (MANE Select); coding-DNA position 1052, G replaced by A.
Protein change: p.Gly351Asp; replaces glycine 351 with aspartic acid.
Molecular consequence: missense variant.
Genome position (GRCh38, 1-based): chr18:12,356,806, C>T on the plus strand (G>A on the coding strand, the complement: AFG3L2 is on the minus strand). VCF-style: chr18-12356806-C-T. GRCh37 (hg19) VCF-style: chr18-12356805-C-T.
Other names: short protein forms G351D.
Identifiers: ClinVar variation 2699756 (VCV002699756.3), dbSNP rs1555672209, ClinGen allele CA323723.

ClinVar aggregate classification (germline): Uncertain significance (1 of 4 stars; one submission).

Submission:

Labcorp Genetics (formerly Invitae), Labcorp
Classification: Uncertain significance. Last evaluated: 2023-11-29. Review status: criteria provided, single submitter. Criteria: Invitae Variant Classification Sherloc (09022015). Collection method: clinical testing. Allele origin: germline.
Comment: This sequence change replaces glycine, which is neutral and non-polar, with aspartic acid, which is acidic and polar, at codon 351 of the AFG3L2 protein (p.Gly351Asp). This variant is not present in population databases (gnomAD no frequency). This variant has not been reported in the literature in individuals affected with AFG3L2-related conditions. Advanced modeling of protein sequence and biophysical properties (such as structural, functional, and spatial information, amino acid conservation, physicochemical variation, residue mobility, and thermodynamic stability) performed at Invitae indicates that this missense variant is expected to disrupt AFG3L2 protein function with a positive predictive value of 95%. In summary, the available evidence is currently insufficient to determine the role of this variant in disease. Therefore, it has been classified as a Variant of Uncertain Significance.